The following is an entry in ClinVar:

NM_003803.4(MYOM1):c.1474del (p.Gln492fs)

Gene: MYOM1 (myomesin 1; minus strand). Cytogenetic location: 18p11.31.
Variant type: Deletion.
Coding change: c.1474del on transcript NM_003803.4 (MANE Select); coding-DNA position 1474, one base deleted (C; older notation c.1474delC).
Protein change: p.Gln492fs; shifts the reading frame from glutamine 492.
Molecular consequence: frameshift variant.
Genome position (GRCh38, 1-based): chr18:3,164,305, G deleted on the plus strand (C on the coding strand, the reverse complement: MYOM1 is on the minus strand). VCF-style (leftmost placement, unchanged base first): chr18-3164304-TG-T. GRCh37 (hg19) VCF-style: chr18-3164302-TG-T.
Other names: c.1474del, p.Gln492fs (NM_019856.2); short protein forms Q492fs.
Identifiers: ClinVar variation 1505476 (VCV001505476.6), dbSNP rs2144048623, ClinGen allele CA2573155075.

ClinVar aggregate classification (germline): Uncertain significance (1 of 4 stars; one submission).

Conditions:
Hypertrophic cardiomyopathy. Also called: HYPERTROPHIC MYOCARDIOPATHY. Identifiers: Orphanet 217569, MedGen C0007194, MeSH D002312, MONDO:0005045, HP:0001639.

Submission:

Labcorp Genetics (formerly Invitae), Labcorp
Classification: Uncertain significance for Hypertrophic cardiomyopathy. Last evaluated: 2021-01-31. Review status: criteria provided, single submitter. Criteria: Invitae Variant Classification Sherloc (09022015). Collection method: clinical testing. Allele origin: germline.
Comment: In summary, the available evidence is currently insufficient to determine the role of this variant in disease. Therefore, it has been classified as a Variant of Uncertain Significance. This variant has not been reported in the literature in individuals with MYOM1-related conditions. This variant is not present in population databases (ExAC no frequency). This sequence change creates a premature translational stop signal (p.Gln492Asnfs*25) in the MYOM1 gene. It is expected to result in an absent or disrupted protein product. However, the current clinical and genetic evidence is not sufficient to establish whether loss-of-function variants in MYOM1 cause disease.